The following is an entry in ClinVar:

ClinVar aggregate classification (germline): Uncertain significance (1 of 4 stars; one submission).

Conditions:
Brody myopathy. Also called: BRODY DISEASE. Identifiers: Orphanet 53347, MedGen C1832918, MONDO:0010977, OMIM 601003.

Submission:

Labcorp Genetics (formerly Invitae), Labcorp
Classification: Uncertain significance for Brody myopathy. Last evaluated: 2021-09-29. Review status: criteria provided, single submitter. Criteria: Invitae Variant Classification Sherloc (09022015). Collection method: clinical testing. Allele origin: germline.
Comment: This sequence change falls in intron 20 of the ATP2A1 gene. It does not directly change the encoded amino acid sequence of the ATP2A1 protein. This variant is not present in population databases (ExAC no frequency). This variant has not been reported in the literature in individuals affected with ATP2A1-related conditions. Algorithms developed to predict the effect of sequence changes on RNA splicing suggest that this variant may disrupt the consensus splice site. In summary, the available evidence is currently insufficient to determine the role of this variant in disease. Therefore, it has been classified as a Variant of Uncertain Significance.

NM_004320.6(ATP2A1):c.2863-8del

Gene: ATP2A1 (ATPase sarcoplasmic/endoplasmic reticulum Ca2+ transporting 1; plus strand). Cytogenetic location: 16p11.2.
Variant type: Deletion.
Coding change: c.2863-8del on transcript NM_004320.6 (MANE Select); 8 bases into the intron before coding-DNA position 2863, one base deleted (T; older notation c.2863-8delT).
Molecular consequence: intron variant.
Genome position (GRCh38, 1-based): chr16:28,903,315, T deleted. VCF-style (leftmost placement, unchanged base first): chr16-28903314-CT-C. GRCh37 (hg19) VCF-style: chr16-28914635-CT-C.
Other names: c.2863-8del (NM_173201.5); c.2488-8del (NM_001286075.2).
Identifiers: ClinVar variation 1510060 (VCV001510060.1), dbSNP rs2152215568, ClinGen allele CA2573152136.
Genomic context (GRCh38, chr16:28,903,314, plus strand): 5'-GGCTGGGCAGTGCTGGTCTCTGGCTCCCTCCCCACCCCCTCCTGAGAGGGCGCTTGTCCC[CT>C]GCCCCAGATGATCTTCAAGCTCCGGGCCCTGGACCTCACCCAGTGGCTCATGGTCCTCAA-3'